The following is an entry in ClinVar:

ClinVar aggregate classification (germline): Likely benign. Review status: criteria provided, single submitter (1 of 4 stars). 2 submissions from 2 submitters: Likely benign (1). 1 of the submissions does not count toward it. Last evaluated 2024-12-09.

Conditions:
SCAF4-related disorder. Also called: SCAF4-related condition.
Inborn genetic diseases. Identifiers: MedGen C0950123, MeSH D030342.

gnomAD v4.1: 48 of 1,609,658 alleles (0.003%); highest among the groups gnomAD compares: African/African-American, 0.02%; no homozygotes.

Submissions (2):

Ambry Genetics
Classification: Likely benign for Inborn genetic diseases. Last evaluated: 2024-12-09. Review status: criteria provided, single submitter. Criteria: Ambry Variant Classification Scheme 2023. Collection method: clinical testing. Allele origin: germline.

PreventionGenetics, part of Exact Sciences
Classification: Likely benign for SCAF4-related condition. Last evaluated: 2024-08-28. Review status: no assertion criteria provided. Collection method: clinical testing. Allele origin: germline. Not counted in ClinVar's aggregate classification.
Comment: This variant is classified as likely benign based on ACMG/AMP sequence variant interpretation guidelines (Richards et al. 2015 PMID: 25741868, with internal and published modifications).

NM_020706.2(SCAF4):c.925G>A (p.Ala309Thr)

Gene: SCAF4 (SR-related CTD associated factor 4; minus strand). Cytogenetic location: 21q22.11.
Variant type: single nucleotide variant.
Coding change: c.925G>A on transcript NM_020706.2 (MANE Select); coding-DNA position 925, G replaced by A.
Protein change: p.Ala309Thr; replaces alanine 309 with threonine.
Molecular consequence: missense variant.
Genome position (GRCh38, 1-based): chr21:31,696,603, C>T on the plus strand (G>A on the coding strand, the complement: SCAF4 is on the minus strand). VCF-style: chr21-31696603-C-T. GRCh37 (hg19) VCF-style: chr21-33068916-C-T.
Other names: c.880G>A, p.Ala294Thr (NM_001145444.1); c.925G>A, p.Ala309Thr (NM_001145445.1); short protein forms A294T, A309T.
Identifiers: ClinVar variation 3352326 (VCV003352326.2).